The following is an entry in ClinVar:

ClinVar aggregate classification (germline): Uncertain significance (1 of 4 stars; one submission).

Conditions:
Hereditary cancer-predisposing syndrome. Also called: Neoplastic Syndromes, Hereditary; Tumor predisposition; Hereditary neoplastic syndrome; Hereditary Cancer Syndrome. Identifiers: Orphanet 140162, MedGen C0027672, MeSH D009386, MONDO:0015356.
Cardiovascular phenotype. Identifiers: MedGen CN230736.

Allele frequency attached by ClinVar (database versions not stated): gnomAD exomes below 0.00001.
gnomAD v4.1: 1 of 1,596,902 alleles (0.000063%); highest among the groups gnomAD compares: Non-Finnish European, 0.000085%; no homozygotes.

Submission:

Ambry Genetics
Classification: Uncertain significance for Cardiovascular phenotype; Hereditary cancer-predisposing syndrome. Last evaluated: 2023-12-16. Review status: criteria provided, single submitter. Criteria: Ambry Variant Classification Scheme 2023. Collection method: clinical testing. Allele origin: germline.
Comment: The p.M289I variant (also known as c.867G>A), located in coding exon 9 of the LZTR1 gene, results from a G to A substitution at nucleotide position 867. The methionine at codon 289 is replaced by isoleucine, an amino acid with highly similar properties. This amino acid position is conserved. In addition, this alteration is predicted to be deleterious by in silico analysis. Since supporting evidence is limited at this time, the clinical significance of this alteration remains unclear.

NM_006767.4(LZTR1):c.867G>A (p.Met289Ile)

Gene: LZTR1 (leucine zipper like post translational regulator 1; plus strand). Cytogenetic location: 22q11.21.
Variant type: single nucleotide variant.
Coding change: c.867G>A on transcript NM_006767.4 (MANE Select); coding-DNA position 867, G replaced by A.
Protein change: p.Met289Ile; replaces methionine 289 with isoleucine.
Molecular consequence: missense variant.
Genome position (GRCh38, 1-based): chr22:20,991,703, G>A. VCF-style: chr22-20991703-G-A. GRCh37 (hg19) VCF-style: chr22-21345992-G-A.
Other names: short protein forms M289I.
Identifiers: ClinVar variation 3238358 (VCV003238358.1), dbSNP rs2518617134.